The following is an entry in ClinVar:

NM_002775.5(HTRA1):c.205G>C (p.Gly69Arg)

Gene: HTRA1 (HtrA serine peptidase 1; plus strand). Cytogenetic location: 10q26.13.
Variant type: single nucleotide variant.
Coding change: c.205G>C on transcript NM_002775.5 (MANE Select); coding-DNA position 205, G replaced by C.
Protein change: p.Gly69Arg; replaces glycine 69 with arginine.
Molecular consequence: missense variant.
Genome position (GRCh38, 1-based): chr10:122,461,857, G>C. VCF-style: chr10-122461857-G-C. GRCh37 (hg19) VCF-style: chr10-124221373-G-C.
Other names: short protein forms G69R.
Identifiers: ClinVar variation 2506662 (VCV002506662.3), dbSNP rs2097481536, ClinGen allele CA378605833.

ClinVar aggregate classification (germline): Uncertain significance. Review status: criteria provided, multiple submitters, no conflicts (2 of 4 stars). 2 submissions from 2 submitters: Uncertain significance (2). Last evaluated 2023-04-06.

Conditions:
Inborn genetic diseases. Identifiers: MedGen C0950123, MeSH D030342.

gnomAD v4.1: 3 of 1,193,844 alleles (0.00025%); highest among the groups gnomAD compares: East Asian, 0.0038%; no homozygotes.

Submissions (2):

Ambry Genetics
Classification: Uncertain significance for Inborn genetic diseases. Last evaluated: 2023-04-06. Review status: criteria provided, single submitter. Criteria: Ambry Variant Classification Scheme 2023. Collection method: clinical testing. Allele origin: germline.

GeneDx
Classification: Uncertain significance. Last evaluated: 2022-12-20. Review status: criteria provided, single submitter. Criteria: GeneDx Variant Classification Process June 2021. Collection method: clinical testing. Allele origin: germline. Affected: yes.
Comment: Not observed at significant frequency in large population cohorts (gnomAD); In silico analysis supports that this missense variant does not alter protein structure/function; Has not been previously published as pathogenic or benign to our knowledge